The following is an entry in ClinVar:

NM_001846.4(COL4A2):c.4670A>T (p.Tyr1557Phe)

Genes: COL4A2 (collagen type IV alpha 2 chain; plus strand), COL4A2-AS1 (COL4A2 antisense RNA 1; minus strand). Cytogenetic location: 13q34.
Variant type: single nucleotide variant.
Coding change: c.4670A>T on transcript NM_001846.4 (MANE Select); coding-DNA position 4670, A replaced by T.
Protein change: p.Tyr1557Phe; replaces tyrosine 1557 with phenylalanine.
Molecular consequence: missense variant.
Genome position (GRCh38, 1-based): chr13:110,508,010, A>T. VCF-style: chr13-110508010-A-T. GRCh37 (hg19) VCF-style: chr13-111160357-A-T.
Other names: short protein forms Y1557F.
Identifiers: ClinVar variation 2637158 (VCV002637158.2), dbSNP rs2502217334, ClinGen allele CA388741363.

ClinVar aggregate classification (germline): Uncertain significance (0 of 4 stars; one submission).

Conditions:
COL4A2-related disorder. Also called: COL4A2-related disorders; COL4A2-related condition.

Submission:

PreventionGenetics, part of Exact Sciences
Classification: Uncertain significance for COL4A2-related condition. Last evaluated: 2024-04-20. Review status: no assertion criteria provided. Collection method: clinical testing. Allele origin: germline.
Comment: The COL4A2 c.4670A>T variant is predicted to result in the amino acid substitution p.Tyr1557Phe. To our knowledge, this variant has not been reported in the literature or in a large population database, indicating this variant is rare. At this time, the clinical significance of this variant is uncertain due to the absence of conclusive functional and genetic evidence.